The following is an entry in ClinVar:

NM_001145809.2(MYH14):c.5757G>A (p.Glu1919=)

Gene: MYH14 (myosin heavy chain 14; plus strand). Cytogenetic location: 19q13.33.
Variant type: single nucleotide variant.
Coding change: c.5757G>A on transcript NM_001145809.2 (MANE Select); coding-DNA position 5757, G replaced by A.
Protein change: p.Glu1919=; no amino-acid change (glutamic acid 1919 retained).
Molecular consequence: synonymous variant.
Genome position (GRCh38, 1-based): chr19:50,307,127, G>A. VCF-style: chr19-50307127-G-A. GRCh37 (hg19) VCF-style: chr19-50810384-G-A.
Other names: c.5658G>A, p.Glu1886= (NM_001077186.2); c.5634G>A, p.Glu1878= (NM_024729.4).
Identifiers: ClinVar variation 1306024 (VCV001306024.2), dbSNP rs2123492248, ClinGen allele CA508183745.
Genomic context (GRCh38, chr19:50,307,127, plus strand): 5'-AAAGCTGGTGCGCAGAGCTGAGAAGCGGCTTAAAGAGGTGGTGCTCCAGGTGGAGGAGGA[G>A]CGGAGGGTGGCTGACCAGCTCCGGGACCAGGTAAGCAGCTGGCATCATTAGGGAGCAGTG-3'
Protein context (NP_001139281.1, residues 1909-1929): LKEVVLQVEE[Glu1919=]RRVADQLRDQ

ClinVar aggregate classification (germline): Uncertain significance (1 of 4 stars; one submission).

Allele frequency attached by ClinVar (database versions not stated): gnomAD exomes below 0.00001.
gnomAD v4.1: 1 of 1,549,838 alleles (0.000065%); highest among the groups gnomAD compares: South Asian, 0.0012%; no homozygotes.

Submission:

GeneDx
Classification: Uncertain significance. Last evaluated: 2019-05-23. Review status: criteria provided, single submitter. Criteria: GeneDx Variant Classification Process June 2021. Collection method: clinical testing. Allele origin: germline. Affected: yes.
Comment: Not observed in large population cohorts (Lek et al., 2016); In silico analysis, which includes splice predictors and evolutionary conservation, supports that this variant does not alter protein structure/function; Has not been previously published as pathogenic or benign to our knowledge